The following is an entry in ClinVar:

NM_001040108.2(MLH3):c.1721T>C (p.Val574Ala)

Gene: MLH3 (mutL homolog 3; minus strand). Cytogenetic location: 14q24.3.
Variant type: single nucleotide variant.
Coding change: c.1721T>C on transcript NM_001040108.2 (MANE Select); coding-DNA position 1721, T replaced by C.
Protein change: p.Val574Ala; replaces valine 574 with alanine.
Molecular consequence: missense variant.
Genome position (GRCh38, 1-based): chr14:75,047,935, A>G on the plus strand (T>C on the coding strand, the complement: MLH3 is on the minus strand). VCF-style: chr14-75047935-A-G. GRCh37 (hg19) VCF-style: chr14-75514638-A-G.
Other names: c.1721T>C, p.Val574Ala (NM_014381.3); short protein forms V574A.
Identifiers: ClinVar variation 2623802 (VCV002623802.2), dbSNP rs2139577652, ClinGen allele CA390444555.

ClinVar aggregate classification (germline): Uncertain significance (1 of 4 stars; one submission).

Submission:

Ambry Genetics
Classification: Uncertain significance. Last evaluated: 2023-06-28. Review status: criteria provided, single submitter. Criteria: Ambry Variant Classification Scheme 2023. Collection method: clinical testing. Allele origin: germline.
Comment: The p.V574A variant (also known as c.1721T>C), located in coding exon 1 of the MLH3 gene, results from a T to C substitution at nucleotide position 1721. The valine at codon 574 is replaced by alanine, an amino acid with similar properties. This amino acid position is conserved. In addition, this alteration is predicted to be tolerated by in silico analysis. Since supporting evidence is limited at this time, the clinical significance of this alteration remains unclear.